The following is an entry in ClinVar:

NM_000258.3(MYL3):c.376G>A (p.Asp126Asn)

Gene: MYL3 (myosin light chain 3; minus strand). Cytogenetic location: 3p21.31.
Variant type: single nucleotide variant.
Coding change: c.376G>A on transcript NM_000258.3 (MANE Select); coding-DNA position 376, G replaced by A.
Protein change: p.Asp126Asn; replaces aspartic acid 126 with asparagine.
Molecular consequence: missense variant.
Genome position (GRCh38, 1-based): chr3:46,859,580, C>T on the plus strand (G>A on the coding strand, the complement: MYL3 is on the minus strand). VCF-style: chr3-46859580-C-T. GRCh37 (hg19) VCF-style: chr3-46901070-C-T.
Other names: c.376G>A, p.Asp126Asn (NM_001406937.1, NM_001406938.1, NM_001406939.1); c.202G>A, p.Asp68Asn (NM_001406940.1, NM_001406941.1); short protein forms D126N, D68N.
Identifiers: ClinVar variation 4825128 (VCV004825128.1).

ClinVar aggregate classification (germline): Uncertain significance (1 of 4 stars; one submission).

Conditions:
Cardiovascular phenotype. Identifiers: MedGen CN230736.

gnomAD v4.1: 2 of 1,614,222 alleles (0.00012%); highest among the groups gnomAD compares: Non-Finnish European, 0.00017%; no homozygotes.

Submission:

Ambry Genetics
Classification: Uncertain significance for Cardiovascular phenotype. Last evaluated: 2026-02-13. Review status: criteria provided, single submitter. Criteria: Ambry Variant Classification Scheme 2023. Collection method: clinical testing. Allele origin: germline.
Comment: The p.D126N variant (also known as c.376G>A), located in coding exon 4 of the MYL3 gene, results from a G to A substitution at nucleotide position 376. The aspartic acid at codon 126 is replaced by asparagine, an amino acid with highly similar properties. This amino acid position is conserved. In addition, this alteration is predicted to be tolerated by in silico analysis. Based on the available evidence, the clinical significance of this variant remains unclear.